The following is an entry in ClinVar:

NM_024747.6(HPS6):c.2250G>A (p.Ser750=)

Gene: HPS6 (HPS6 biogenesis of lysosomal organelles complex 2 subunit 3; plus strand). Cytogenetic location: 10q24.32.
Variant type: single nucleotide variant.
Coding change: c.2250G>A on transcript NM_024747.6 (MANE Select); coding-DNA position 2250, G replaced by A.
Protein change: p.Ser750=; no amino-acid change (serine 750 retained).
Molecular consequence: synonymous variant.
Genome position (GRCh38, 1-based): chr10:102,067,724, G>A. VCF-style: chr10-102067724-G-A. GRCh37 (hg19) VCF-style: chr10-103827481-G-A.
Other names: p.Ser750=.
Identifiers: ClinVar variation 261764 (VCV000261764.29), dbSNP rs139161525, ClinGen allele CA5660144.
Genomic context (GRCh38, chr10:102,067,724, plus strand): 5'-TCTCACTGTGGGCTTGCTCAAAGCCCTGCTGGAGCAGACTGGGGCTCAAGGATGGCTGTC[G>A]GGCCCAGTTCTAAGCCCATATGAGGACATCCTATGGGACCCCAGCACTCCACCCCCGACT-3'
Protein context (NP_079023.2, residues 740-760): LEQTGAQGWL[Ser750=]GPVLSPYEDI

ClinVar aggregate classification (germline): Conflicting classifications of pathogenicity. Review status: criteria provided, conflicting classifications (1 of 4 stars). 8 submissions from 8 submitters: Uncertain significance (1); Benign (1); Likely benign (6). Last evaluated 2026-01-26.

Allele frequency attached by ClinVar (database versions not stated): ExAC 0.00008; ESP Exome Variant Server 0.00015; gnomAD exomes 0.00019; gnomAD 0.00041; 1000 Genomes Project 0.00080; 1000 Genomes Project 30x 0.00094; TOPMed 0.00125.

Submissions (8):

Labcorp Genetics (formerly Invitae), Labcorp
Classification: Likely benign. Last evaluated: 2026-01-26. Review status: criteria provided, single submitter. Criteria: Invitae Variant Classification Sherloc (09022015). Collection method: clinical testing. Allele origin: germline.

Mayo Clinic Laboratories, Mayo Clinic
Classification: Likely benign. Last evaluated: 2024-07-09. Review status: criteria provided, single submitter. Criteria: ACMG Guidelines, 2015. Collection method: clinical testing. Allele origin: germline. Observed: 3 variant alleles.
Comment: BP4, BP7

Blueprint Genetics
Classification: Likely benign. Last evaluated: 2022-07-14. Review status: criteria provided, single submitter. Criteria: ACMG Guidelines, 2015. Collection method: clinical testing. Allele origin: germline.

GeneDx
Classification: Likely benign. Last evaluated: 2020-06-18. Review status: criteria provided, single submitter. Criteria: GeneDx Variant Classification Process June 2021. Collection method: clinical testing. Allele origin: germline. Affected: yes.

Laboratory for Molecular Medicine, Mass General Brigham Personalized Medicine
Classification: Likely benign. Last evaluated: 2017-09-25. Review status: criteria provided, single submitter. Criteria: LMM Criteria. Collection method: clinical testing. Allele origin: germline. Observed: 1 variant allele.
Comment: p.Ser750Ser in exon 1 of HPS6: This variant is not expected to have clinical sig nificance because it does not alter an amino acid residue and is not located wit hin the splice consensus sequence. It has been identified in 0.1% 36/34390 of La tino chromosomes by the Genome Aggregation Database (gnomAD; dbSNP rs139161525)

Eurofins Ntd Llc (ga)
Classification: Uncertain significance. Last evaluated: 2016-09-20. Review status: criteria provided, single submitter. Criteria: EGL Classification Definitions 2015. Collection method: clinical testing. Allele origin: germline. Observed: 1 variant allele, 1 homozygote.

Genetic Services Laboratory, University of Chicago
Classification: Likely benign. Last evaluated: 2015-10-14. Review status: criteria provided, single submitter. Criteria: ACMG Guidelines, 2015. Collection method: clinical testing. Allele origin: germline. Affected: no.

PreventionGenetics, part of Exact Sciences
Classification: Benign. Review status: criteria provided, single submitter. Criteria: ACMG Guidelines, 2015. Collection method: clinical testing. Allele origin: germline.